The following is an entry in ClinVar:

ClinVar aggregate classification (germline): not provided (0 of 4 stars; one submission).

gnomAD v4.1: 3 of 1,551,998 alleles (0.00019%); highest among the groups gnomAD compares: Admixed American, 0.002%; no homozygotes.

Submission:

ITMI
No classification provided. Condition: AllHighlyPenetrant. Last evaluated: 2013-09-19. Review status: no classification provided. Collection method: reference population. Allele origin: germline.
Comment: Please see associated publication for description of ethnicities

Literature cited by the submitters: PubMed 24728327.

NM_014159.7(SETD2):c.227G>C (p.Ser76Thr)

Gene: SETD2 (SET domain containing 2, histone lysine methyltransferase; minus strand). Cytogenetic location: 3p21.31.
Variant type: single nucleotide variant.
Coding change: c.227G>C on transcript NM_014159.7 (MANE Select); coding-DNA position 227, G replaced by C.
Protein change: p.Ser76Thr; replaces serine 76 with threonine.
Molecular consequence: missense variant. On other transcripts: non-coding transcript variant (1).
Genome position (GRCh38, 1-based): chr3:47,124,409, C>G on the plus strand (G>C on the coding strand, the complement: SETD2 is on the minus strand). VCF-style: chr3-47124409-C-G. GRCh37 (hg19) VCF-style: chr3-47165899-C-G.
Other names: c.95G>C, p.Ser32Thr (NM_001349370.3); short protein forms S76T, S32T.
Identifiers: ClinVar variation 135226 (VCV000135226.1), dbSNP rs587778670, ClinGen allele CA162071.
Genomic context (GRCh38, chr3:47,124,409, plus strand): 5'-TTTTCATTGCCAAGTGCAGTGAGAAACCTATTCTGCAAAGTTTTCTTTGTAAGGCTGAAG[C>G]TGAATGACACCTTCTGTCGTCCCTGTTCTTCCAAATTAACTTTTGTTTTGGTGCCTTTGG-3'
Protein context (NP_054878.5, residues 66-86): EEQGRQKVSF[Ser76Thr]FSLTKKTLQN